The following is an entry in ClinVar:

ClinVar aggregate classification (germline): Uncertain significance. Review status: criteria provided, multiple submitters, no conflicts (2 of 4 stars). 2 submissions from 2 submitters: Uncertain significance (2). Last evaluated 2024-02-23.

Conditions:
Usher syndrome type 2D. Also called: USHER SYNDROME, TYPE IID. Identifiers: Orphanet 231178, Orphanet 886, MedGen C1568249, MONDO:0012662, OMIM 611383.
Autosomal recessive nonsyndromic hearing loss 31. Also called: WHIRLER, MOUSE, HOMOLOG OF. Identifiers: Orphanet 90636, MedGen C1846839, MONDO:0011767, OMIM 607084.

Allele frequency attached by ClinVar (database versions not stated): gnomAD 0.00001; TOPMed 0.00001; gnomAD exomes 0.00002 and 0.00003; ExAC 0.00003.
gnomAD v4.1: 47 of 1,613,900 alleles (0.0029%); highest among the groups gnomAD compares: Non-Finnish European, 0.0039%; no homozygotes.

Submissions (2):

Fulgent Genetics
Classification: Uncertain significance for Autosomal recessive nonsyndromic hearing loss 31; Usher syndrome type 2D. Last evaluated: 2024-02-23. Review status: criteria provided, single submitter. Criteria: ACMG Guidelines, 2015. Collection method: clinical testing. Allele origin: germline.

GeneDx
Classification: Uncertain significance. Last evaluated: 2019-07-12. Review status: criteria provided, single submitter. Criteria: GeneDx Variant Classification Process June 2021. Collection method: clinical testing. Allele origin: germline. Affected: yes.
Comment: Not observed at a significant frequency in large population cohorts (Lek et al., 2016); In silico analysis, which includes protein predictors and evolutionary conservation, supports that this variant does not alter protein structure/function; Has not been previously published as pathogenic or benign to our knowledge

NM_015404.4(WHRN):c.2611A>G (p.Thr871Ala)

Gene: WHRN (whirlin; minus strand). Cytogenetic location: 9q32.
Variant type: single nucleotide variant.
Coding change: c.2611A>G on transcript NM_015404.4 (MANE Select); coding-DNA position 2611, A replaced by G.
Protein change: p.Thr871Ala; replaces threonine 871 with alanine.
Molecular consequence: missense variant.
Genome position (GRCh38, 1-based): chr9:114,402,867, T>C on the plus strand (A>G on the coding strand, the complement: WHRN is on the minus strand). VCF-style: chr9-114402867-T-C. GRCh37 (hg19) VCF-style: chr9-117165147-T-C.
Other names: c.1462A>G, p.Thr488Ala (NM_001083885.3); c.2608A>G, p.Thr870Ala (NM_001173425.2); c.1558A>G, p.Thr520Ala (NM_001346890.1); short protein forms T488A, T520A, T870A, T871A.
Identifiers: ClinVar variation 1206779 (VCV001206779.4), dbSNP rs779001003, ClinGen allele CA5205572.
Genomic context (GRCh38, chr9:114,402,867, plus strand): 5'-TAGTCTTGAAGGCCTCGGCGATAATGCGGGCGGCCTCCCGGTGCTCCTTGCCCCGAAGCG[T>C]CAGCCCATTCACTTCCAGAATCACGTGGCCCACCTTGAGCTGCCCACAGTTGTGAGCTGA-3'
Protein context (NP_056219.3, residues 861-881): GHVILEVNGL[Thr871Ala]LRGKEHREAA